The following is an entry in ClinVar:

ClinVar aggregate classification (germline): Uncertain significance (1 of 4 stars; one submission).

Submission:

GeneDx
Classification: Uncertain significance. Last evaluated: 2019-06-27. Review status: criteria provided, single submitter. Criteria: GeneDx Variant Classification Process June 2021. Collection method: clinical testing. Allele origin: germline. Affected: yes.
Comment: Not observed in large population cohorts (Lek et al., 2016); Has not been previously published as pathogenic or benign to our knowledge

NM_032043.3(BRIP1):c.152G>C (p.Gly51Ala)

Gene: BRIP1 (BRCA1 interacting helicase 1; minus strand). Cytogenetic location: 17q23.2.
Variant type: single nucleotide variant.
Coding change: c.152G>C on transcript NM_032043.3 (MANE Select); coding-DNA position 152, G replaced by C.
Protein change: p.Gly51Ala; replaces glycine 51 with alanine.
Molecular consequence: missense variant.
Genome position (GRCh38, 1-based): chr17:61,859,849, C>G on the plus strand (G>C on the coding strand, the complement: BRIP1 is on the minus strand). VCF-style: chr17-61859849-C-G. GRCh37 (hg19) VCF-style: chr17-59937210-C-G.
Other names: short protein forms G51A.
Identifiers: ClinVar variation 1317248 (VCV001317248.2), dbSNP rs960787663, ClinGen allele CA400485759.